The following is an entry in ClinVar:

ClinVar aggregate classification (germline): Pathogenic. Review status: criteria provided, multiple submitters, no conflicts (2 of 4 stars). 3 submissions from 3 submitters: Pathogenic (2). 1 of the submissions does not count toward it. Last evaluated 2018-09-03.

Conditions:
CHD7-related disorder. Also called: CHD7-related condition.
CHARGE syndrome (CHARGE). Also called: Hittner Hirsch Kreh syndrome; CHARGE ASSOCIATION--COLOBOMA, HEART ANOMALY, CHOANAL ATRESIA, RETARDATION, GENITAL AND EAR ANOMALIES; Coloboma, heart anomaly, choanal atresia, retardation, genital and ear anomalies; CHARGE association; Hall-Hittner syndrome. Identifiers: Orphanet 138, MedGen C0265354, MONDO:0008965.

Submissions (3):

Victorian Clinical Genetics Services, Murdoch Childrens Research Institute
Classification: Pathogenic for CHD7-related CHARGE syndrome. Last evaluated: 2018-09-03. Review status: criteria provided, single submitter. Criteria: ACMG Guidelines, 2015. Collection method: clinical testing. Allele origin: de novo. Affected: yes. Observed: 1 variant allele.
Comment: A heterozygous nonsense variant, NM_017780.3(CHD7):c.604C>T, has been identified in exon 2 of 38 of the CHD7 gene. This variant is predicted to result in a premature stop codon at position 202 of the protein, NP_060250.2(CHD7):p.(Gln202*), and predicted to result in loss of protein function either through truncation (including loss of several conserved domains) or nonsense-mediated decay, which is a reported mechanism of pathogenicity for this gene. This variant is absent in population databases (gnomAD, dbSNP, 1000G) and has been previously described as pathogenic in two individuals with CHARGE syndrome (CHD7 database). Analysis of parental samples indicated this variant to be de novo. Based on the information available at the time of curation, this variant has been classified as PATHOGENIC.

Labcorp Genetics (formerly Invitae), Labcorp
Classification: Pathogenic for CHARGE syndrome. Last evaluated: 2017-03-10. Review status: criteria provided, single submitter. Criteria: Invitae Variant Classification Sherloc (09022015). Collection method: clinical testing. Allele origin: germline.
Comment: This sequence change creates a premature translational stop signal at codon 202 (p.Gln202*) of the CHD7 gene. It is expected to result in an absent or disrupted protein product. Loss-of-function variants in CHD7 are known to be pathogenic (PMID: 16400610, 22461308). This particular variant has been reported in the literature arising de novo in an individual affected with CHARGE syndrome (PMID: 22461308). For these reasons, this variant has been classified as Pathogenic.

PreventionGenetics, part of Exact Sciences
Classification: Pathogenic for CHD7-related condition. Last evaluated: 2023-11-30. Review status: no assertion criteria provided. Collection method: clinical testing. Allele origin: germline. Not counted in ClinVar's aggregate classification.
Comment: The CHD7 c.604C>T variant is predicted to result in premature protein termination (p.Gln202*). This variant has been reported in multiple individuals with CHARGE syndrome (Janssen et al 2012. PubMed ID: 22461308; eTable 3 in Lunke et al. 2020. PubMed ID: 32573669; Supplementary Table 1 in Levy et al. 2022. PubMed ID: 35904121) with the variant having occurred de novo in at least one affected individual (Janssen et al. 2012. PubMed ID: 22461308). This variant has not been reported in a large population database, indicating this variant is rare. Nonsense variants in CHD7 are expected to be pathogenic. This variant is interpreted as pathogenic.

NM_017780.4(CHD7):c.604C>T (p.Gln202Ter)

Gene: CHD7 (chromodomain helicase DNA binding protein 7; plus strand). Cytogenetic location: 8q12.2.
Variant type: single nucleotide variant.
Coding change: c.604C>T on transcript NM_017780.4 (MANE Select); coding-DNA position 604, C replaced by T.
Protein change: p.Gln202Ter; replaces glutamine 202 with a stop codon.
Molecular consequence: nonsense.
Genome position (GRCh38, 1-based): chr8:60,742,036, C>T. VCF-style: chr8-60742036-C-T. GRCh37 (hg19) VCF-style: chr8-61654595-C-T.
Other names: c.604C>T, p.Gln202Ter (NM_001316690.1); short protein forms Q202*.
Identifiers: ClinVar variation 459557 (VCV000459557.5), dbSNP rs1554581277, ClinGen allele CA371298327.